The following is an entry in ClinVar:

ClinVar aggregate classification (germline): Uncertain significance (1 of 4 stars; one submission).

Conditions:
Short-rib thoracic dysplasia 14 with polydactyly (SRTD14). Identifiers: Orphanet 397715, MedGen C4225286, MONDO:0014688, OMIM 616546.
Joubert syndrome 23 (JBTS23). Identifiers: Orphanet 475, MedGen C4084822, MONDO:0014664, OMIM 616490.

Allele frequency attached by ClinVar (database versions not stated): gnomAD exomes 0.00004 and 0.00012; gnomAD 0.00005 and 0.00006; ExAC 0.00008; TOPMed 0.00008; 1000 Genomes Project 30x 0.00016; 1000 Genomes Project 0.00020.
gnomAD v4.1: 70 of 1,611,800 alleles (0.0043%); highest among the groups gnomAD compares: East Asian, 0.049%; no homozygotes.

Submission:

Labcorp Genetics (formerly Invitae), Labcorp
Classification: Uncertain significance for Joubert syndrome 23; Short-rib thoracic dysplasia 14 with polydactyly. Last evaluated: 2022-10-13. Review status: criteria provided, single submitter. Criteria: Invitae Variant Classification Sherloc (09022015). Collection method: clinical testing. Allele origin: germline.
Comment: This sequence change replaces arginine, which is basic and polar, with cysteine, which is neutral and slightly polar, at codon 276 of the KIAA0586 protein (p.Arg276Cys). This variant is present in population databases (rs573870218, gnomAD 0.1%). This variant has not been reported in the literature in individuals affected with KIAA0586-related conditions. ClinVar contains an entry for this variant (Variation ID: 1428808). Advanced modeling of protein sequence and biophysical properties (such as structural, functional, and spatial information, amino acid conservation, physicochemical variation, residue mobility, and thermodynamic stability) has been performed at Invitae for this missense variant, however the output from this modeling did not meet the statistical confidence thresholds required to predict the impact of this variant on KIAA0586 protein function. Algorithms developed to predict the effect of sequence changes on RNA splicing suggest that this variant may create or strengthen a splice site. In summary, the available evidence is currently insufficient to determine the role of this variant in disease. Therefore, it has been classified as a Variant of Uncertain Significance.

NM_001329943.3(KIAA0586):c.667C>T (p.Arg223Cys)

Gene: KIAA0586 (KIAA0586; plus strand). Cytogenetic location: 14q23.1.
Variant type: single nucleotide variant.
Coding change: c.667C>T on transcript NM_001329943.3 (MANE Select); coding-DNA position 667, C replaced by T.
Protein change: p.Arg223Cys; replaces arginine 223 with cysteine.
Molecular consequence: missense variant.
Genome position (GRCh38, 1-based): chr14:58,444,035, C>T. VCF-style: chr14-58444035-C-T. GRCh37 (hg19) VCF-style: chr14-58910753-C-T.
Other names: c.826C>T, p.Arg276Cys (NM_001244189.2); c.622C>T, p.Arg208Cys (NM_001244190.2); c.412C>T, p.Arg138Cys (NM_001244191.2, NM_001329945.2, NM_001364700.1 and 1 more transcripts); c.535C>T, p.Arg179Cys (NM_001244192.2); c.247C>T, p.Arg83Cys (NM_001244193.2); c.667C>T, p.Arg223Cys (NM_001329944.2, NM_001329946.2, NM_001329947.2 and 1 more transcripts); short protein forms R138C, R208C, R223C, R83C, R179C, R276C.
Identifiers: ClinVar variation 1428808 (VCV001428808.3), dbSNP rs573870218, ClinGen allele CA7205448.